The following is an entry in ClinVar:

ClinVar aggregate classification (germline): Uncertain significance. Review status: criteria provided, multiple submitters, no conflicts (2 of 4 stars). 4 submissions from 4 submitters: Uncertain significance (3). 1 of the submissions does not count toward it. Last evaluated 2024-11-08.

Conditions:
Meckel syndrome, type 5 (MKS5). Identifiers: Orphanet 564, MedGen C1969052, MONDO:0012695, OMIM 611561.
COACH syndrome 3. Identifiers: MedGen C5436841, MONDO:0030862, OMIM 619113.
Joubert syndrome 7 (JBTS7). Identifiers: Orphanet 220497, MedGen C1969053, MONDO:0012694, OMIM 611560.
RPGRIP1L-related disorder. Also called: RPGRIP1L-related disorders; RPGRIP1L-related condition. Identifiers: MedGen CN239416.
Inborn genetic diseases. Identifiers: MedGen C0950123, MeSH D030342.
Meckel-Gruber syndrome. Also called: DYSENCEPHALIA SPLANCHNOCYSTICA; GRUBER SYNDROME; Dysencephalia splachnocystica. Identifiers: Orphanet 564, MedGen C0265215, MONDO:0018921.
Joubert syndrome. Also called: JOUBERT-BOLTSHAUSER SYNDROME; Familial aplasia of the vermis. Identifiers: Orphanet 475, MedGen C5979921, MONDO:0018772.

Allele frequency attached by ClinVar (database versions not stated): gnomAD exomes 0.00001; ExAC 0.00005; ESP Exome Variant Server 0.00008; gnomAD 0.00014; 1000 Genomes Project 30x 0.00016; TOPMed 0.00017; 1000 Genomes Project 0.00020.
gnomAD v4.1: 42 of 1,613,314 alleles (0.0026%); highest among the groups gnomAD compares: African/African-American, 0.043%; no homozygotes.

Submissions (4):

Ambry Genetics
Classification: Uncertain significance for Inborn genetic diseases. Last evaluated: 2024-11-08. Review status: criteria provided, single submitter. Criteria: Ambry Variant Classification Scheme 2023. Collection method: clinical testing. Allele origin: germline.

Fulgent Genetics
Classification: Uncertain significance for Joubert syndrome 7; Meckel syndrome, type 5; COACH syndrome 3. Last evaluated: 2024-04-02. Review status: criteria provided, single submitter. Criteria: ACMG Guidelines, 2015. Collection method: clinical testing. Allele origin: germline.

Labcorp Genetics (formerly Invitae), Labcorp
Classification: Uncertain significance for Joubert syndrome; Meckel-Gruber syndrome. Last evaluated: 2022-08-19. Review status: criteria provided, single submitter. Criteria: Invitae Variant Classification Sherloc (09022015). Collection method: clinical testing. Allele origin: germline.
Comment: This sequence change replaces methionine, which is neutral and non-polar, with leucine, which is neutral and non-polar, at codon 307 of the RPGRIP1L protein (p.Met307Leu). This variant is present in population databases (rs375940414, gnomAD 0.03%). This variant has not been reported in the literature in individuals affected with RPGRIP1L-related conditions. Algorithms developed to predict the effect of missense changes on protein structure and function output the following: SIFT: "Tolerated"; PolyPhen-2: "Benign"; Align-GVGD: "Class C0". The leucine amino acid residue is found in multiple mammalian species, which suggests that this missense change does not adversely affect protein function. In summary, the available evidence is currently insufficient to determine the role of this variant in disease. Therefore, it has been classified as a Variant of Uncertain Significance.

PreventionGenetics, part of Exact Sciences
Classification: Uncertain significance for RPGRIP1L-related condition. Last evaluated: 2023-11-30. Review status: no assertion criteria provided. Collection method: clinical testing. Allele origin: germline. Not counted in ClinVar's aggregate classification.
Comment: The RPGRIP1L c.919A>T variant is predicted to result in the amino acid substitution p.Met307Leu. To our knowledge, this variant has not been reported in the literature. This variant is reported in 0.036% of alleles in individuals of African descent in gnomAD. At this time, the clinical significance of this variant is uncertain due to the absence of conclusive functional and genetic evidence.

NM_015272.5(RPGRIP1L):c.919A>T (p.Met307Leu)

Gene: RPGRIP1L (RPGRIP1 like; minus strand). Cytogenetic location: 16q12.2.
Variant type: single nucleotide variant.
Coding change: c.919A>T on transcript NM_015272.5 (MANE Select); coding-DNA position 919, A replaced by T.
Protein change: p.Met307Leu; replaces methionine 307 with leucine.
Molecular consequence: missense variant.
Genome position (GRCh38, 1-based): chr16:53,672,980, T>A on the plus strand (A>T on the coding strand, the complement: RPGRIP1L is on the minus strand). VCF-style: chr16-53672980-T-A. GRCh37 (hg19) VCF-style: chr16-53706892-T-A.
Other names: c.919A>T (NM_015272.2, NM_015272.4); c.919A>T, p.Met307Leu (NM_001127897.4, NM_001308334.3, NM_001330538.2); short protein forms M307L.
Identifiers: ClinVar variation 2372270 (VCV002372270.12), dbSNP rs375940414, ClinGen allele CA8057975.
Genomic context (GRCh38, chr16:53,672,980, plus strand): 5'-GACTGCAGCATTTTAAACGCTGCTCTTTAAGTTGCATGTTTAATTCATCCCCATTTGCCA[T>A]CAAAGCATCGTGGCTGATTCTGAGAGTTCTTTGCTTCTAAAAGATAAAAAGAACATCTTT-3'
Protein context (NP_056087.2, residues 297-317): RTLRISHDAL[Met307Leu]ANGDELNMQL